The following is an entry in ClinVar:

ClinVar aggregate classification (germline): Likely pathogenic (1 of 4 stars; one submission).

Submission:

Labcorp Genetics (formerly Invitae), Labcorp
Classification: Likely pathogenic. Last evaluated: 2025-11-23. Review status: criteria provided, single submitter. Criteria: Invitae Variant Classification Sherloc (09022015). Collection method: clinical testing. Allele origin: germline.
Comment: This sequence change replaces phenylalanine, which is neutral and non-polar, with isoleucine, which is neutral and non-polar, at codon 17 of the BEST1 protein (p.Phe17Ile). This variant is not present in population databases (gnomAD no frequency). This missense change has been observed in individual(s) with autosomal dominant Best disease (PMID: 32239196). ClinVar contains an entry for this variant (Variation ID: 967069). Invitae Evidence Modeling of protein sequence and biophysical properties (such as structural, functional, and spatial information, amino acid conservation, physicochemical variation, residue mobility, and thermodynamic stability) indicates that this missense variant is expected to disrupt BEST1 protein function with a positive predictive value of 95%. This variant disrupts the p.Phe17 amino acid residue in BEST1. Other variant(s) that disrupt this residue have been determined to be pathogenic (PMID: 21273940, 35973442). This suggests that this residue is clinically significant, and that variants that disrupt this residue are likely to be disease-causing. In summary, the currently available evidence indicates that the variant is pathogenic, but additional data are needed to prove that conclusively. Therefore, this variant has been classified as Likely Pathogenic.

Literature cited by the submitters: PubMed 32239196; PubMed 21273940; PubMed 35973442.

NM_004183.4(BEST1):c.49T>A (p.Phe17Ile)

Gene: BEST1 (bestrophin 1; plus strand). Cytogenetic location: 11q12.3.
Variant type: single nucleotide variant.
Coding change: c.49T>A on transcript NM_004183.4 (MANE Select); coding-DNA position 49, T replaced by A.
Protein change: p.Phe17Ile; replaces phenylalanine 17 with isoleucine.
Molecular consequence: missense variant. On other transcripts: non-coding transcript variant (1), intron variant (6).
Genome position (GRCh38, 1-based): chr11:61,951,855, T>A. VCF-style: chr11-61951855-T-A. GRCh37 (hg19) VCF-style: chr11-61719327-T-A.
Other names: c.49T>A, p.Phe17Ile (NM_001363592.2, NM_001440571.1, NM_001440572.1 and 1 more transcripts); c.-29+1428T>A (NM_001139443.3, NM_001300787.2, NM_001440574.1 and 3 more transcripts); short protein forms F17I.
Identifiers: ClinVar variation 967069 (VCV000967069.10), dbSNP rs1940696088, ClinGen allele CA380831322.